The following is an entry in ClinVar:

ClinVar aggregate classification (germline): Uncertain significance (1 of 4 stars; one submission).

Conditions:
Inborn genetic diseases. Identifiers: MedGen C0950123, MeSH D030342.

gnomAD v4.1: 8 of 1,586,846 alleles (0.0005%); highest among the groups gnomAD compares: Non-Finnish European, 0.00069%; no homozygotes.

Submission:

Ambry Genetics
Classification: Uncertain significance for Inborn genetic diseases. Last evaluated: 2025-10-28. Review status: criteria provided, single submitter. Criteria: Ambry Variant Classification Scheme 2023. Collection method: clinical testing. Allele origin: germline.
Comment: The p.E1343Q variant (also known as c.4027G>C), located in coding exon 28 of the ANKRD26 gene, results from a G to C substitution at nucleotide position 4027. The glutamic acid at codon 1343 is replaced by glutamine, an amino acid with highly similar properties. This amino acid position is conserved. In addition, this alteration is predicted to be tolerated by in silico analysis. Based on the available evidence, the clinical significance of this variant remains unclear.

NM_014915.3(ANKRD26):c.4027G>C (p.Glu1343Gln)

Gene: ANKRD26 (ankyrin repeat domain 26; minus strand). Cytogenetic location: 10p12.1.
Variant type: single nucleotide variant.
Coding change: c.4027G>C on transcript NM_014915.3 (MANE Select); coding-DNA position 4027, G replaced by C.
Protein change: p.Glu1343Gln; replaces glutamic acid 1343 with glutamine.
Molecular consequence: missense variant.
Genome position (GRCh38, 1-based): chr10:27,024,505, C>G on the plus strand (G>C on the coding strand, the complement: ANKRD26 is on the minus strand). VCF-style: chr10-27024505-C-G. GRCh37 (hg19) VCF-style: chr10-27313434-C-G.
Other names: c.4024G>C, p.Glu1342Gln (NM_001256053.2); short protein forms E1343Q, E1342Q.
Identifiers: ClinVar variation 4579673 (VCV004579673.1).
Genomic context (GRCh38, chr10:27,024,505, plus strand): 5'-ACCCAGTTATCTCTCTTTCTAATTCAACATTTTTCTTCATTTCTTGATCCAAATTACATT[C>G]CAGTGACTGTTTTAATTCCATAAGTTTCTTTAATTGTTCCTTTTCATCTTCAGACTTTGA-3'
Protein context (NP_055730.2, residues 1333-1353): KKLMELKQSL[Glu1343Gln]CNLDQEMKKN